The following is an entry in ClinVar:

ClinVar aggregate classification (germline): Benign (0 of 4 stars; one submission).

Conditions:
TSHZ1-related disorder. Also called: TSHZ1-related condition.

Allele frequency attached by ClinVar (database versions not stated): gnomAD 0.00003 and 0.00149; TOPMed 0.00011 and 0.00031; gnomAD exomes 0.00260 and 0.00515; ExAC 0.00585; 1000 Genomes Project 30x 0.01234; 1000 Genomes Project 0.01238.
gnomAD v4.1: 4,028 of 1,614,144 alleles (0.25%); highest among the groups gnomAD compares: South Asian, 4.2%; 129 homozygotes.

Submission:

PreventionGenetics, part of Exact Sciences
Classification: Benign for TSHZ1-related condition. Last evaluated: 2019-09-26. Review status: no assertion criteria provided. Collection method: clinical testing. Allele origin: germline.
Comment: This variant is classified as benign based on ACMG/AMP sequence variant interpretation guidelines (Richards et al. 2015 PMID: 25741868, with internal and published modifications).

NM_001308210.2(TSHZ1):c.3073C>T (p.Pro1025Ser)

Gene: TSHZ1 (teashirt zinc finger homeobox 1; plus strand). Cytogenetic location: 18q22.3.
Variant type: single nucleotide variant.
Coding change: c.3073C>T on transcript NM_001308210.2 (MANE Select); coding-DNA position 3073, C replaced by T.
Protein change: p.Pro1025Ser; replaces proline 1025 with serine.
Molecular consequence: missense variant.
Genome position (GRCh38, 1-based): chr18:75,288,480, C>T. VCF-style: chr18-75288480-C-T. GRCh37 (hg19) VCF-style: chr18-73000435-C-T.
Other names: c.2938C>T, p.Pro980Ser (NM_005786.6); short protein forms P980S, P1025S.
Identifiers: ClinVar variation 3038628 (VCV003038628.2), dbSNP rs141075503, ClinGen allele CA9002407.